The following is an entry in ClinVar:

NM_001199397.3(NEK1):c.2146A>G (p.Ser716Gly)

Gene: NEK1 (NIMA related kinase 1; minus strand). Cytogenetic location: 4q33.
Variant type: single nucleotide variant.
Coding change: c.2146A>G on transcript NM_001199397.3 (MANE Select); coding-DNA position 2146, A replaced by G.
Protein change: p.Ser716Gly; replaces serine 716 with glycine.
Molecular consequence: missense variant. On other transcripts: non-coding transcript variant (1).
Genome position (GRCh38, 1-based): chr4:169,477,491, T>C on the plus strand (A>G on the coding strand, the complement: NEK1 is on the minus strand). VCF-style: chr4-169477491-T-C. GRCh37 (hg19) VCF-style: chr4-170398642-T-C.
Other names: c.2014A>G, p.Ser672Gly (NM_001199398.3); c.1855A>G, p.Ser619Gly (NM_001199399.3); c.1930A>G, p.Ser644Gly (NM_001199400.3); c.2146A>G, p.Ser716Gly (NM_001374418.1); c.2062A>G, p.Ser688Gly (NM_001374419.1, NM_012224.4); c.2011A>G, p.Ser671Gly (NM_001374420.1); c.1840A>G, p.Ser614Gly (NM_001374421.1); short protein forms S644G, S672G, S614G, S619G, S716G, S671G, S688G.
Identifiers: ClinVar variation 1918202 (VCV001918202.5), dbSNP rs555136488, ClinGen allele CA109900516.

ClinVar aggregate classification (germline): Uncertain significance (1 of 4 stars; one submission).

Conditions:
Short-rib thoracic dysplasia 6 with or without polydactyly (SRTD6). Also called: POLYDACTYLY WITH NEONATAL CHONDRODYSTROPHY, TYPE II; SHORT RIB-POLYDACTYLY SYNDROME, TYPE IIA; Majewski Syndrome; SHORT-RIB THORACIC DYSPLASIA 6 WITH POLYDACTYLY; SHORT-RIB THORACIC DYSPLASIA 6 WITHOUT POLYDACTYLY. Identifiers: MedGen C0024507, MONDO:0009894, OMIM 263520.

Allele frequency attached by ClinVar (database versions not stated): gnomAD exomes below 0.00001.
gnomAD v4.1: 3 of 1,603,610 alleles (0.00019%); highest among the groups gnomAD compares: Admixed American, 0.0034%; no homozygotes.

Submission:

Labcorp Genetics (formerly Invitae), Labcorp
Classification: Uncertain significance for Short-rib thoracic dysplasia 6 with or without polydactyly. Last evaluated: 2025-03-20. Review status: criteria provided, single submitter. Criteria: Invitae Variant Classification Sherloc (09022015). Collection method: clinical testing. Allele origin: germline.
Comment: This sequence change replaces serine, which is neutral and polar, with glycine, which is neutral and non-polar, at codon 688 of the NEK1 protein (p.Ser688Gly). This variant is present in population databases (rs555136488, gnomAD 0.003%). This variant has not been reported in the literature in individuals affected with NEK1-related conditions. ClinVar contains an entry for this variant (Variation ID: 1918202). Invitae Evidence Modeling of protein sequence and biophysical properties (such as structural, functional, and spatial information, amino acid conservation, physicochemical variation, residue mobility, and thermodynamic stability) indicates that this missense variant is not expected to disrupt NEK1 protein function with a negative predictive value of 80%. In summary, the available evidence is currently insufficient to determine the role of this variant in disease. Therefore, it has been classified as a Variant of Uncertain Significance.